The following is an entry in ClinVar:

ClinVar aggregate classification (germline): Uncertain significance (1 of 4 stars; one submission).

Conditions:
Dextro-looped transposition of the great arteries. Also called: Dextrotransposition of the great arteries. Identifiers: Orphanet 860, MedGen C3531771, MONDO:0019443, OMIM 608808, HP:0031348.

Allele frequency attached by ClinVar (database versions not stated): gnomAD exomes below 0.00001; ExAC 0.00001; gnomAD 0.00001; TOPMed 0.00001; 1000 Genomes Project 30x 0.00016; 1000 Genomes Project 0.00020.
gnomAD v4.1: 6 of 1,613,954 alleles (0.00037%); highest among the groups gnomAD compares: Admixed American, 0.01%; no homozygotes.

Submission:

Labcorp Genetics (formerly Invitae), Labcorp
Classification: Uncertain significance for Dextro-looped transposition of the great arteries. Last evaluated: 2023-09-12. Review status: criteria provided, single submitter. Criteria: Invitae Variant Classification Sherloc (09022015). Collection method: clinical testing. Allele origin: germline.
Comment: This variant is present in population databases (rs542946207, gnomAD 0.003%). This sequence change replaces alanine, which is neutral and non-polar, with glycine, which is neutral and non-polar, at codon 792 of the MED13L protein (p.Ala792Gly). This variant has not been reported in the literature in individuals affected with MED13L-related conditions. In summary, the available evidence is currently insufficient to determine the role of this variant in disease. Therefore, it has been classified as a Variant of Uncertain Significance. Advanced modeling of protein sequence and biophysical properties (such as structural, functional, and spatial information, amino acid conservation, physicochemical variation, residue mobility, and thermodynamic stability) performed at Invitae indicates that this missense variant is not expected to disrupt MED13L protein function.

NM_015335.5(MED13L):c.2375C>G (p.Ala792Gly)

Gene: MED13L (mediator complex subunit 13L; minus strand). Cytogenetic location: 12q24.21.
Variant type: single nucleotide variant.
Coding change: c.2375C>G on transcript NM_015335.5 (MANE Select); coding-DNA position 2375, C replaced by G.
Protein change: p.Ala792Gly; replaces alanine 792 with glycine.
Molecular consequence: missense variant.
Genome position (GRCh38, 1-based): chr12:116,005,963, G>C on the plus strand (C>G on the coding strand, the complement: MED13L is on the minus strand). VCF-style: chr12-116005963-G-C. GRCh37 (hg19) VCF-style: chr12-116443768-G-C.
Other names: short protein forms A792G.
Identifiers: ClinVar variation 2911026 (VCV002911026.3), dbSNP rs542946207, ClinGen allele CA6811181.
Genomic context (GRCh38, chr12:116,005,963, plus strand): 5'-TTGTCTAAGTCATGCAGGGAAGGTGCCAAATCTGTTACCTGTGTAAGGCTACTGGAGCCA[G>C]CTCTGCCAGCAGCATTATCCTGCCGGACATCTGTAGGAAAGGAGGCAAAAGACACAGAAT-3'
Protein context (NP_056150.1, residues 782-802): DVRQDNAAGR[Ala792Gly]GSSSLTQVTD